The following is an entry in ClinVar:

ClinVar aggregate classification (germline): Conflicting classifications of pathogenicity. Review status: criteria provided, conflicting classifications (1 of 4 stars). 2 submissions from 2 submitters: Uncertain significance (1); Likely benign (1). Last evaluated 2016-11-11.

Submissions (2):

GeneDx
Classification: Likely benign. Last evaluated: 2016-11-11. Review status: criteria provided, single submitter. Criteria: GeneDx Variant Classification (06012015). Collection method: clinical testing. Allele origin: germline. Affected: yes.
Comment: This variant is considered likely benign or benign based on one or more of the following criteria: it is a conservative change, it occurs at a poorly conserved position in the protein, it is predicted to be benign by multiple in silico algorithms, and/or has population frequency not consistent with disease.

Eurofins Ntd Llc (ga)
Classification: Uncertain significance. Last evaluated: 2016-02-12. Review status: criteria provided, single submitter. Criteria: EGL Classification Definitions 2015. Collection method: clinical testing. Allele origin: germline. Observed: 1 variant allele, 1 heterozygote.

NM_001077365.2(POMT1):c.57T>C (p.Leu19=)

Gene: POMT1 (protein O-mannosyltransferase 1; plus strand). Cytogenetic location: 9q34.13.
Variant type: single nucleotide variant.
Coding change: c.57T>C on transcript NM_001077365.2 (MANE Select); coding-DNA position 57, T replaced by C.
Protein change: p.Leu19=; no amino-acid change (leucine 19 retained).
Molecular consequence: synonymous variant. On other transcripts: 5 prime UTR variant (4), non-coding transcript variant (4), intron variant (9).
Genome position (GRCh38, 1-based): chr9:131,504,275, T>C. VCF-style: chr9-131504275-T-C. GRCh37 (hg19) VCF-style: chr9-134379662-T-C.
Other names: c.57T>C, p.Leu19= (NM_001136113.2, NM_001353193.2, NM_001353196.2 and 2 more transcripts); c.-188T>C (NM_001353195.2); c.-415T>C (NM_001353198.2); c.-137T>C (NM_001374692.1); c.-95T>C (NM_001374695.1); c.-41+962T>C (NM_001353194.2); c.-72+962T>C (NM_001374691.1); c.-41+1202T>C (NM_001374689.1, NM_001353197.2, NM_001077366.2 and 1 more transcripts); and 2 more.
Identifiers: ClinVar variation 286161 (VCV000286161.5), dbSNP rs886043325, ClinGen allele CA10605381.